The following is an entry in ClinVar:

NM_001320.7(CSNK2B):c.494A>G (p.His165Arg)

Gene: CSNK2B (casein kinase 2 beta; plus strand). Cytogenetic location: 6p21.33.
Variant type: single nucleotide variant.
Coding change: c.494A>G on transcript NM_001320.7 (MANE Select); coding-DNA position 494, A replaced by G.
Protein change: p.His165Arg; replaces histidine 165 with arginine.
Molecular consequence: missense variant.
Genome position (GRCh38, 1-based): chr6:31,669,445, A>G. VCF-style: chr6-31669445-A-G. GRCh37 (hg19) VCF-style: chr6-31637222-A-G.
Other names: c.485A>G, p.His162Arg (NM_001282385.2); short protein forms H162R, H165R.
Identifiers: ClinVar variation 996840 (VCV000996840.22), dbSNP rs1802026476, ClinGen allele CA363477284.

ClinVar aggregate classification (germline): Pathogenic/Likely pathogenic. Review status: criteria provided, multiple submitters, no conflicts (2 of 4 stars). 5 submissions from 5 submitters: Pathogenic (3); Likely pathogenic (2). Last evaluated 2024-10-18.

Conditions:
CSNK2B-related disorder. Also called: CSNK2B-related condition.
Poirier-Bienvenu neurodevelopmental syndrome (POBINDS). Identifiers: Orphanet 689397, MedGen C5231482, MONDO:0032889, OMIM 618732.

Submissions (5):

PreventionGenetics, part of Exact Sciences
Classification: Pathogenic for CSNK2B-related condition. Last evaluated: 2024-10-18. Review status: criteria provided, single submitter. Criteria: ACMG Guidelines, 2015. Collection method: clinical testing. Allele origin: germline.
Comment: The CSNK2B c.494A>G variant is predicted to result in the amino acid substitution p.His165Arg. This variant has been reported de novo in at least four individuals with Poirier-Bienvenu neurodevelopmental syndrome (Nakashima et al. 2019. PubMed ID: 30655572; Yang et al. 2021. PubMed ID: 34370157; Wilke et al. 2022. PubMed ID: 34983633; Orsini et al. 2022. PubMed ID: 35205321). This variant has not been reported in a large population database (gnomAD), indicating this variant is rare. This variant is interpreted as pathogenic.

CeGaT Center for Human Genetics Tuebingen
Classification: Pathogenic. Last evaluated: 2024-06-01. Review status: criteria provided, single submitter. Criteria: CeGaT Center For Human Genetics Tuebingen Variant Classification Criteria Version 2. Collection method: clinical testing. Allele origin: germline. Affected: yes. Observed: 1 variant allele.
Comment: CSNK2B: PS2:Very Strong, PM2, PP2, PP3

Mendelics
Classification: Pathogenic for Poirier-Bienvenu neurodevelopmental syndrome. Last evaluated: 2022-05-04. Review status: criteria provided, single submitter. Criteria: Mendelics Assertion Criteria 2019. Collection method: clinical testing. Allele origin: germline.

Blueprint Genetics
Classification: Likely pathogenic for CSNK2B-related disorders. Last evaluated: 2021-01-18. Review status: criteria provided, single submitter. Criteria: ACMG Guidelines, 2015. Collection method: clinical testing. Allele origin: germline. Affected: yes. Observed: 1 variant allele.

New York Genome Center
Classification: Likely pathogenic. Last evaluated: 2019-09-25. Review status: criteria provided, single submitter. Criteria: NYGC Assertion Criteria 2020. Collection method: clinical testing. Allele origin: de novo. Inheritance: Autosomal dominant inheritance. Affected: yes. Observed: 1 heterozygote. Study: CSER-NYCKidSeq.
Comment: The de novo variant c.494A>G, p.His165Arg identified in the CSNK2B gene has been reported as de novo in one patient associated with global developmental delay & seizures [PMID: 30655572]. This variant is also not reported in gnomAD database indicating this is a rare variant and in silico tool predicts the variant is expected to be deleterious [PMID: 24681721]. Based on the available evidence, the variant c.494A>G, p.His165Arg in the CSNK2B gene is classified as likely pathogenic.